The following is an entry in ClinVar:

NM_018489.3(ASH1L):c.3136del (p.Tyr1046fs)

Gene: ASH1L (ASH1 like histone lysine methyltransferase; minus strand). Cytogenetic location: 1q22.
Variant type: Deletion.
Coding change: c.3136del on transcript NM_018489.3 (MANE Select); coding-DNA position 3136, one base deleted (T; older notation c.3136delT).
Protein change: p.Tyr1046fs; shifts the reading frame from tyrosine 1046.
Molecular consequence: frameshift variant.
Genome position (GRCh38, 1-based): chr1:155,479,734, A deleted on the plus strand (T on the coding strand, the reverse complement: ASH1L is on the minus strand); the first of 3 consecutive A bases (chr1:155,479,734-155,479,736); deleting any one gives the same sequence. VCF-style (leftmost placement, unchanged base first): chr1-155479733-TA-T. GRCh37 (hg19) VCF-style: chr1-155449524-TA-T.
Other names: c.3136del, p.Tyr1046fs (NM_001366177.2); short protein forms Y1046fs.
Identifiers: ClinVar variation 4539993 (VCV004539993.1).
Genomic context (GRCh38, chr1:155,479,733, plus strand): 5'-CTACCAGAAAGAATACCATTTAAGACAGTTTTTGGTTTGCGACCTCTTCTCTTTCCTATA[TA>T]AATGGTTCCTTTCTTGCTGACATTTATCTGTTGGCCCAATTTAGAGCCAAATGTGGCAGC-3'

ClinVar aggregate classification (germline): Pathogenic (1 of 4 stars; one submission).

Submission:

GeneDx
Classification: Pathogenic. Last evaluated: 2025-06-23. Review status: criteria provided, single submitter. Criteria: GeneDx Variant Classification Process June 2021. Collection method: clinical testing. Allele origin: germline. Affected: yes.
Comment: Reported in a patient with neurodevelopmental disorder in published literature (PMID: 33004838); clinical information not provided; Frameshift variant predicted to result in protein truncation or nonsense mediated decay in a gene for which loss of function is a known mechanism of disease; Not observed at significant frequency in large population cohorts (gnomAD); This variant is associated with the following publications: (PMID: 33004838)